The following is an entry in ClinVar:

ClinVar aggregate classification (germline): Conflicting classifications of pathogenicity. Review status: criteria provided, conflicting classifications (1 of 4 stars). 4 submissions from 4 submitters: Likely pathogenic (1); Uncertain significance (3). Last evaluated 2025-11-08.

Conditions:
Neurodegeneration with brain iron accumulation 6 (NBIA6). Also called: COASY protein-associated neurodegeneration. Identifiers: Orphanet 397725, MedGen C4517377, MONDO:0014290, OMIM 615643.

Allele frequency attached by ClinVar (database versions not stated): gnomAD exomes 0.00004; ExAC 0.00003; gnomAD 0.00003; TOPMed 0.00003.
gnomAD v4.1: 30 of 1,613,992 alleles (0.0019%); highest among the groups gnomAD compares: Admixed American, 0.0067%; no homozygotes.

Submissions (4):

Ambry Genetics
Classification: Uncertain significance. Last evaluated: 2025-11-08. Review status: criteria provided, single submitter. Criteria: Ambry Variant Classification Scheme 2023. Collection method: clinical testing. Allele origin: germline.

GeneDx
Classification: Likely pathogenic. Last evaluated: 2025-10-07. Review status: criteria provided, single submitter. Criteria: GeneDx Variant Classification Process June 2021. Collection method: clinical testing. Allele origin: germline.
Comment: Not observed at significant frequency in large population cohorts (gnomAD); In silico analysis supports that this missense variant has a deleterious effect on protein structure/function; This variant is associated with the following publications: (PMID: 38750253)

Labcorp Genetics (formerly Invitae), Labcorp
Classification: Uncertain significance for Neurodegeneration with brain iron accumulation 6. Last evaluated: 2024-10-25. Review status: criteria provided, single submitter. Criteria: Invitae Variant Classification Sherloc (09022015). Collection method: clinical testing. Allele origin: germline.
Comment: This sequence change replaces proline, which is neutral and non-polar, with serine, which is neutral and polar, at codon 260 of the COASY protein (p.Pro260Ser). This variant is present in population databases (rs756141692, gnomAD 0.007%). This variant has not been reported in the literature in individuals affected with COASY-related conditions. ClinVar contains an entry for this variant (Variation ID: 1010453). Invitae Evidence Modeling of protein sequence and biophysical properties (such as structural, functional, and spatial information, amino acid conservation, physicochemical variation, residue mobility, and thermodynamic stability) indicates that this missense variant is not expected to disrupt COASY protein function with a negative predictive value of 80%. In summary, the available evidence is currently insufficient to determine the role of this variant in disease. Therefore, it has been classified as a Variant of Uncertain Significance.

Laboratorio de Genetica e Diagnostico Molecular, Hospital Israelita Albert Einstein
Classification: Uncertain significance. Last evaluated: 2019-10-09. Review status: criteria provided, single submitter. Criteria: ACMG Guidelines, 2015. Collection method: clinical testing. Allele origin: germline. Affected: yes.
Comment: ACMG classification criteria: PM2, PP3

NM_025233.7(COASY):c.778C>T (p.Pro260Ser)

Gene: COASY (Coenzyme A synthase; plus strand). Cytogenetic location: 17q21.2.
Variant type: single nucleotide variant.
Coding change: c.778C>T on transcript NM_025233.7 (MANE Select); coding-DNA position 778, C replaced by T.
Protein change: p.Pro260Ser; replaces proline 260 with serine.
Molecular consequence: missense variant.
Genome position (GRCh38, 1-based): chr17:42,564,038, C>T. VCF-style: chr17-42564038-C-T. GRCh37 (hg19) VCF-style: chr17-40716056-C-T.
Other names: c.865C>T (NM_001042532.2); c.778C>T, p.Pro260Ser (NM_001042529.3); c.865C>T, p.Pro289Ser (NM_001042532.4); c.778C>T (NM_025233.6); short protein forms P260S, P289S.
Identifiers: ClinVar variation 1010453 (VCV001010453.14), dbSNP rs756141692, ClinGen allele CA8578061.
Genomic context (GRCh38, chr17:42,564,038, plus strand): 5'-CTGCTCCAACCTTATACAGAACGTGTGGAACATCTGAGTGAATTCCTGGTGGACATCAAG[C>T]CCTCCTTGACTTTTGATGTCATCCCCCTGCTGGACCCCTATGGGCCCGCTGGCTCTGACC-3'
Protein context (NP_079509.5, residues 250-270): HLSEFLVDIK[Pro260Ser]SLTFDVIPLL